The following is an entry in ClinVar:

ClinVar aggregate classification (germline): Uncertain significance. Review status: criteria provided, multiple submitters, no conflicts (2 of 4 stars). 2 submissions from 2 submitters: Uncertain significance (2). Last evaluated 2023-02-25.

Conditions:
Severe combined immunodeficiency due to DNA-PKcs deficiency. Also called: IMMUNODEFICIENCY 26 WITH NEUROLOGIC ABNORMALITIES; Immunodeficiency 26 with or without neurologic abnormalities. Identifiers: Orphanet 317425, MedGen C4014833, MONDO:0014423, OMIM 615966.

Allele frequency attached by ClinVar (database versions not stated): gnomAD 0.00022 and 0.00024; TOPMed 0.00029; gnomAD exomes 0.00002 and 0.00005; ExAC 0.00007; ESP Exome Variant Server 0.00016.
gnomAD v4.1: 68 of 1,613,816 alleles (0.0042%); highest among the groups gnomAD compares: African/African-American, 0.087%; no homozygotes.

Submissions (2):

Ambry Genetics
Classification: Uncertain significance. Last evaluated: 2023-02-25. Review status: criteria provided, single submitter. Criteria: Ambry Variant Classification Scheme 2023. Collection method: clinical testing. Allele origin: germline.
Comment: The p.S1409F variant (also known as c.4226C>T), located in coding exon 33 of the PRKDC gene, results from a C to T substitution at nucleotide position 4226. The serine at codon 1409 is replaced by phenylalanine, an amino acid with highly dissimilar properties. This amino acid position is conserved. Since supporting evidence is limited at this time, the clinical significance of this alteration remains unclear.

Labcorp Genetics (formerly Invitae), Labcorp
Classification: Uncertain significance for Severe combined immunodeficiency due to DNA-PKcs deficiency. Last evaluated: 2022-06-27. Review status: criteria provided, single submitter. Criteria: Invitae Variant Classification Sherloc (09022015). Collection method: clinical testing. Allele origin: germline.
Comment: This sequence change replaces serine, which is neutral and polar, with phenylalanine, which is neutral and non-polar, at codon 1409 of the PRKDC protein (p.Ser1409Phe). This variant is present in population databases (rs376814572, gnomAD 0.08%). This variant has not been reported in the literature in individuals affected with PRKDC-related conditions. ClinVar contains an entry for this variant (Variation ID: 565334). In summary, the available evidence is currently insufficient to determine the role of this variant in disease. Therefore, it has been classified as a Variant of Uncertain Significance.

NM_006904.7(PRKDC):c.4226C>T (p.Ser1409Phe)

Gene: PRKDC (protein kinase, DNA-activated, catalytic subunit; minus strand). Cytogenetic location: 8q11.21.
Variant type: single nucleotide variant.
Coding change: c.4226C>T on transcript NM_006904.7 (MANE Select); coding-DNA position 4226, C replaced by T.
Protein change: p.Ser1409Phe; replaces serine 1409 with phenylalanine.
Molecular consequence: missense variant.
Genome position (GRCh38, 1-based): chr8:47,889,068, G>A on the plus strand (C>T on the coding strand, the complement: PRKDC is on the minus strand). VCF-style: chr8-47889068-G-A. GRCh37 (hg19) VCF-style: chr8-48801629-G-A.
Other names: c.4226C>T, p.Ser1409Phe (NM_001081640.2); short protein forms S1409F.
Identifiers: ClinVar variation 565334 (VCV000565334.9), dbSNP rs376814572, ClinGen allele CA4740978.
Genomic context (GRCh38, chr8:47,889,068, plus strand): 5'-ACCCACCTCTGTGCTGTTATTTTCTCTCTCAGATGGGTCTCTAGGATATCTTTGTATGGG[G>A]ACATCTTTAGAGCTTTCATCAGATTCACACAAACATCAGGAAGATGAGCCATAACCTGGA-3'
Protein context (NP_008835.5, residues 1399-1419): CVNLMKALKM[Ser1409Phe]PYKDILETHL